The following is an entry in ClinVar:

NM_032383.5(HPS3):c.2718del (p.Gln906fs)

Genes: CP (ceruloplasmin; minus strand), HPS3 (HPS3 biogenesis of lysosomal organelles complex 2 subunit 1; plus strand). Cytogenetic location: 3q24.
Variant type: Deletion.
Coding change: c.2718del on transcript NM_032383.5 (MANE Select); coding-DNA position 2718, one base deleted (G; older notation c.2718delG).
Protein change: p.Gln906fs; shifts the reading frame from glutamine 906.
Molecular consequence: frameshift variant.
Genome position (GRCh38, 1-based): chr3:149,167,162, G deleted. VCF-style (leftmost placement, unchanged base first): chr3-149167161-AG-A. GRCh37 (hg19) VCF-style: chr3-148884948-AG-A.
Other names: c.2223del, p.Gln741fs (NM_001308258.2); short protein forms Q741fs, Q906fs.
Identifiers: ClinVar variation 5013468 (VCV005013468.1).

ClinVar aggregate classification (germline): Pathogenic (1 of 4 stars; one submission).

Conditions:
Hermansky-Pudlak syndrome 3 (HPS3). Identifiers: Orphanet 231512, Orphanet 79430, MedGen C3888001, MONDO:0013555, OMIM 614072.

Submission:

Myriad Genetics, Inc.
Classification: Pathogenic for Hermansky-Pudlak syndrome 3. Last evaluated: 2024-08-20. Review status: criteria provided, single submitter. Criteria: Myriad Autosomal Dominant, Autosomal Recessive and X-Linked Classification Criteria (2023). Collection method: clinical testing. Allele origin: unknown.
Comment: NM_032383.3(HPS3):c.2718delG(Q906Hfs*3) is expected to be pathogenic in the context of Hermansky-Pudlak syndrome, HPS3-related. This variant is predicted to lead to an abnormal or absent protein product due to the creation of a premature termination codon in HPS3, a gene where loss-of-function variants are known to be pathogenic. Please note: this variant was assessed in the context of healthy population screening.